The following is an entry in ClinVar:

NM_181426.2(CCDC39):c.2409T>C (p.Cys803=)

Genes: CCDC39 (coiled-coil domain 39 molecular ruler complex subunit; minus strand), TTC14 (tetratricopeptide repeat domain 14; plus strand). Cytogenetic location: 3q26.33.
Variant type: single nucleotide variant.
Coding change: c.2409T>C on transcript NM_181426.2 (MANE Select); coding-DNA position 2409, T replaced by C.
Protein change: p.Cys803=; no amino-acid change (cysteine 803 retained).
Molecular consequence: synonymous variant. On other transcripts: intron variant (1).
Genome position (GRCh38, 1-based): chr3:180,616,693, A>G on the plus strand (T>C on the coding strand, the complement: CCDC39 is on the minus strand). VCF-style: chr3-180616693-A-G. GRCh37 (hg19) VCF-style: chr3-180334481-A-G.
Other names: c.1775-687A>G (NM_001288582.2).
Identifiers: ClinVar variation 525460 (VCV000525460.21), dbSNP rs201601768, ClinGen allele CA2715667.
Genomic context (GRCh38, chr3:180,616,693, plus strand): 5'-TTCTTCCATTGTTTCATCTTTTGTGTCTTTCAAAAGACGGATTTCCTTTGTGAGTTTTGC[A>G]CACTGTTGGTAAATAATAGTCAATTATTCTATAAACGTGTTTACCAGAATTTAATATTTT-3'
Protein context (NP_852091.1, residues 793-813): KPKLERVTKQ[Cys803=]AKLTKEIRLL

ClinVar aggregate classification (germline): Conflicting classifications of pathogenicity. Review status: criteria provided, conflicting classifications (1 of 4 stars). 5 submissions from 5 submitters: Uncertain significance (1); Benign (2); Likely benign (1). 1 of the submissions does not count toward it. Last evaluated 2026-02-02.

Conditions:
Primary ciliary dyskinesia. Also called: Ciliary dyskinesia. Identifiers: Orphanet 244, MedGen C0008780, MONDO:0016575, HP:0012265.
CCDC39-related disorder. Also called: CCDC39-related condition.
Primary ciliary dyskinesia 14. Also called: CILIARY DYSKINESIA, PRIMARY, 14, WITH OR WITHOUT SITUS INVERSUS. Identifiers: Orphanet 244, MedGen C3151136, MONDO:0013434, OMIM 613807.

Allele frequency attached by ClinVar (database versions not stated): 1000 Genomes Project 30x 0.00109; gnomAD 0.00111 and 0.00119; gnomAD exomes 0.00010 and 0.00025; ESP Exome Variant Server 0.00170; ExAC 0.00051; 1000 Genomes Project 0.00080; TOPMed 0.00117.
gnomAD v4.1: 308 of 1,586,802 alleles (0.019%); highest among the groups gnomAD compares: African/African-American, 0.39%; 2 homozygotes.

Submissions (5):

Labcorp Genetics (formerly Invitae), Labcorp
Classification: Benign for Primary ciliary dyskinesia. Last evaluated: 2026-02-02. Review status: criteria provided, single submitter. Criteria: Invitae Variant Classification Sherloc (09022015). Collection method: clinical testing. Allele origin: germline.

Blueprint Genetics
Classification: Likely benign. Last evaluated: 2023-11-27. Review status: criteria provided, single submitter. Criteria: ACMG Guidelines, 2015. Collection method: clinical testing. Allele origin: germline.

Ambry Genetics
Classification: Benign for Primary ciliary dyskinesia. Last evaluated: 2021-09-21. Review status: criteria provided, single submitter. Criteria: Ambry Variant Classification Scheme 2023. Collection method: clinical testing. Allele origin: germline.

Illumina Laboratory Services, Illumina
Classification: Uncertain significance for Primary ciliary dyskinesia 14. Last evaluated: 2018-01-13. Review status: criteria provided, single submitter. Criteria: ICSL Variant Classification Criteria 13 December 2019. Collection method: clinical testing. Allele origin: germline.

PreventionGenetics, part of Exact Sciences
Classification: Likely benign for CCDC39-related condition. Last evaluated: 2024-01-02. Review status: no assertion criteria provided. Collection method: clinical testing. Allele origin: germline. Not counted in ClinVar's aggregate classification.
Comment: This variant is classified as likely benign based on ACMG/AMP sequence variant interpretation guidelines (Richards et al. 2015 PMID: 25741868, with internal and published modifications).